The following is an entry in ClinVar:

ClinVar aggregate classification (germline): Benign/Likely benign. Review status: criteria provided, multiple submitters, no conflicts (2 of 4 stars). 3 submissions from 3 submitters: Benign (1); Likely benign (2). Last evaluated 2024-11-13.

Conditions:
Hereditary cancer-predisposing syndrome. Also called: Tumor predisposition; Neoplastic Syndromes, Hereditary; Hereditary neoplastic syndrome; Hereditary Cancer Syndrome. Identifiers: Orphanet 140162, MedGen C0027672, MeSH D009386, MONDO:0015356.
Renal cell carcinoma. Identifiers: Orphanet 217071, MedGen C0007134, MeSH D002292, MONDO:0005086, HP:0005584.
Papillary renal cell carcinoma type 1 (RCCP1). Also called: RENAL CELL CARCINOMA, PAPILLARY, 1, SOMATIC; Renal adenocarcinoma; Renal cell carcinoma 1; Renal cell carcinoma, somatic. Identifiers: Orphanet 47044, MedGen C1336839, OMIM 605074, HP:0011797.

Allele frequency attached by ClinVar (database versions not stated): gnomAD 0.00001; TOPMed 0.00001.
gnomAD v4.1: 1 of 1,614,134 alleles (0.000062%); highest among the groups gnomAD compares: African/African-American, 0.0013%; no homozygotes.

Submissions (3):

Myriad Genetics, Inc.
Classification: Benign for Papillary renal cell carcinoma type 1. Last evaluated: 2024-11-13. Review status: criteria provided, single submitter. Criteria: Myriad Autosomal Dominant, Autosomal Recessive and X-Linked Classification Criteria (2023). Collection method: clinical testing. Allele origin: unknown.
Comment: This variant is considered benign. This variant is a silent/synonymous amino acid change and it is not expected to impact splicing.

Ambry Genetics
Classification: Likely benign for Hereditary cancer-predisposing syndrome. Last evaluated: 2020-07-05. Review status: criteria provided, single submitter. Criteria: Ambry Variant Classification Scheme 2023. Collection method: clinical testing. Allele origin: germline.

Labcorp Genetics (formerly Invitae), Labcorp
Classification: Likely benign for Renal cell carcinoma. Last evaluated: 2019-06-26. Review status: criteria provided, single submitter. Criteria: Invitae Variant Classification Sherloc (09022015). Collection method: clinical testing. Allele origin: germline.

NM_000245.4(MET):c.3195A>G (p.Ala1065=)

Gene: MET (MET proto-oncogene, receptor tyrosine kinase; plus strand). Cytogenetic location: 7q31.2.
Variant type: single nucleotide variant.
Coding change: c.3195A>G on transcript NM_000245.4 (MANE Select); coding-DNA position 3195, A replaced by G.
Protein change: p.Ala1065=; no amino-acid change (alanine 1065 retained).
Molecular consequence: synonymous variant.
Genome position (GRCh38, 1-based): chr7:116,775,047, A>G. VCF-style: chr7-116775047-A-G. GRCh37 (hg19) VCF-style: chr7-116415101-A-G.
Other names: c.3249A>G, p.Ala1083= (NM_001127500.3); c.1905A>G, p.Ala635= (NM_001324402.2).
Identifiers: ClinVar variation 1150517 (VCV001150517.12), dbSNP rs1794952295, ClinGen allele CA457218443.